The following is an entry in ClinVar:

ClinVar aggregate classification (germline): Benign/Likely benign. Review status: criteria provided, multiple submitters, no conflicts (2 of 4 stars). 7 submissions from 7 submitters: Benign (5); Likely benign (2). Last evaluated 2026-07-01.

Conditions:
Nephronophthisis 14 (NPHP14). Identifiers: Orphanet 2318, MedGen C3539071, MONDO:0013916, OMIM 614844.

Allele frequency attached by ClinVar (database versions not stated): 1000 Genomes Project 0.00280; 1000 Genomes Project 30x 0.00328; gnomAD exomes 0.00581 and 0.00885; TOPMed 0.00590; ExAC 0.00614; gnomAD 0.00618 and 0.00625; ESP Exome Variant Server 0.00669.
gnomAD v4.1: 13,684 of 1,606,776 alleles (0.85%); highest among the groups gnomAD compares: Non-Finnish European, 1.1%; 81 homozygotes.

Submissions (13):

CeGaT Center for Human Genetics Tuebingen
Classification: Benign. Last evaluated: 2026-07-01. Review status: criteria provided, single submitter. Criteria: CeGaT Center For Human Genetics Tuebingen Variant Classification Criteria Version 2. Collection method: clinical testing. Allele origin: germline. Affected: yes. Observed: 41 variant alleles.
Comment: ZNF423: PP2, BS1, BS2

Labcorp Genetics (formerly Invitae), Labcorp
Classification: Benign for Nephronophthisis 14. Last evaluated: 2026-02-02. Review status: criteria provided, single submitter. Criteria: Invitae Variant Classification Sherloc (09022015). Collection method: clinical testing. Allele origin: germline.

Genome-Nilou Lab
Classification: Benign for Nephronophthisis 14. Last evaluated: 2021-12-05. Review status: criteria provided, single submitter. Criteria: ACMG Guidelines, 2015. Collection method: clinical testing. Allele origin: germline. Affected: no.

Eurofins Ntd Llc (ga)
Classification: Benign. Last evaluated: 2017-05-08. Review status: criteria provided, single submitter. Criteria: EGL Classification Definitions 2015. Collection method: clinical testing. Allele origin: germline. Observed: 1 variant allele, 1 heterozygote.

Center for Pediatric Genomic Medicine, Children's Mercy Hospital and Clinics
Classification: Likely benign. Last evaluated: 2016-12-01. Review status: criteria provided, single submitter. Criteria: ACMG Guidelines, 2015. Collection method: clinical testing. Allele origin: germline.
ClinVar note: Converted during submission from Likely Benign to Likely benign.

Breakthrough Genomics
Classification: Likely benign. Review status: criteria provided, single submitter. Criteria: ACMG Guidelines, 2015. Collection method: not provided. Allele origin: germline. Inheritance: Autosomal dominant inheritance. Affected: yes.

PreventionGenetics, part of Exact Sciences
Classification: Benign. Review status: criteria provided, single submitter. Criteria: ACMG Guidelines, 2015. Collection method: clinical testing. Allele origin: germline.

Dr. Peter K. Rogan Lab, Western University
No classification provided (evidence only). Condition: Cervical cancer. Review status: no classification provided. Collection method: in vitro. Allele origin: not applicable. Functional consequence: retained intron. Not counted in ClinVar's aggregate classification.

Dr. Peter K. Rogan Lab, Western University
No classification provided (evidence only). Condition: Sarcoma. Review status: no classification provided. Collection method: in vitro. Allele origin: not applicable. Functional consequence: retained intron. Not counted in ClinVar's aggregate classification.

Dr. Peter K. Rogan Lab, Western University
No classification provided (evidence only). Condition: Nonpapillary renal cell carcinoma. Review status: no classification provided. Collection method: in vitro. Allele origin: not applicable. Functional consequence: retained intron. Not counted in ClinVar's aggregate classification.

Dr. Peter K. Rogan Lab, Western University
No classification provided (evidence only). Condition: Gastric cancer. Review status: no classification provided. Collection method: in vitro. Allele origin: not applicable. Functional consequence: retained intron. Not counted in ClinVar's aggregate classification.

Dr. Peter K. Rogan Lab, Western University
No classification provided (evidence only). Condition: Uterine carcinosarcoma. Review status: no classification provided. Collection method: in vitro. Allele origin: not applicable. Functional consequence: retained intron. Not counted in ClinVar's aggregate classification.

Dr. Peter K. Rogan Lab, Western University
No classification provided (evidence only). Condition: Uveal melanoma. Review status: no classification provided. Collection method: in vitro. Allele origin: not applicable. Functional consequence: retained intron. Not counted in ClinVar's aggregate classification.

NM_001379286.1(ZNF423):c.3164C>T (p.Ala1055Val)

Gene: ZNF423 (zinc finger protein 423; minus strand). Cytogenetic location: 16q12.1.
Variant type: single nucleotide variant.
Coding change: c.3164C>T on transcript NM_001379286.1 (MANE Select); coding-DNA position 3164, C replaced by T.
Protein change: p.Ala1055Val; replaces alanine 1055 with valine.
Molecular consequence: missense variant.
Genome position (GRCh38, 1-based): chr16:49,636,012, G>A on the plus strand (C>T on the coding strand, the complement: ZNF423 is on the minus strand). VCF-style: chr16-49636012-G-A. GRCh37 (hg19) VCF-style: chr16-49669923-G-A.
Other names: c.2960C>T, p.Ala987Val (NM_001271620.2); c.2789C>T, p.Ala930Val (NM_001330533.2); c.3140C>T, p.Ala1047Val (NM_015069.5); short protein forms A1047V, A987V, A930V, A1055V.
Identifiers: ClinVar variation 260532 (VCV000260532.51), dbSNP rs111229124, ClinGen allele CA8046377.
Genomic context (GRCh38, chr16:49,636,012, plus strand): 5'-GCGCACTTGTAGAGCTTCTGCAGCCCCTGGCCATTGGGGGAGGACGCCGCTGAGCTGCCC[G>A]CCAGCTTCTGCATGTGGAAGGTGCCATGGATCTTGAGCTCAAGCGTGGAAGTGACTGTCT-3'
Protein context (NP_001366215.1, residues 1045-1065): IHGTFHMQKL[Ala1055Val]GSSAASSPNG